The following is an entry in ClinVar:

ClinVar aggregate classification (germline): Likely benign (0 of 4 stars; one submission).

Conditions:
TGM5-related disorder. Also called: TGM5-related condition.

Allele frequency attached by ClinVar (database versions not stated): TOPMed 0.00013; gnomAD 0.00014; ESP Exome Variant Server 0.00015; 1000 Genomes Project 0.00020; ExAC 0.00029; 1000 Genomes Project 30x 0.00031.
gnomAD v4.1: 424 of 1,613,850 alleles (0.026%); highest among the groups gnomAD compares: Non-Finnish European, 0.03%; no homozygotes.

Submission:

PreventionGenetics, part of Exact Sciences
Classification: Likely benign for TGM5-related condition. Last evaluated: 2019-04-12. Review status: no assertion criteria provided. Collection method: clinical testing. Allele origin: germline.
Comment: This variant is classified as likely benign based on ACMG/AMP sequence variant interpretation guidelines (Richards et al. 2015 PMID: 25741868, with internal and published modifications).

NM_201631.4(TGM5):c.744C>T (p.Asp248=)

Gene: TGM5 (transglutaminase 5; minus strand). Cytogenetic location: 15q15.2.
Variant type: single nucleotide variant.
Coding change: c.744C>T on transcript NM_201631.4 (MANE Select); coding-DNA position 744, C replaced by T.
Protein change: p.Asp248=; no amino-acid change (aspartic acid 248 retained).
Molecular consequence: synonymous variant.
Genome position (GRCh38, 1-based): chr15:43,252,877, G>A on the plus strand (C>T on the coding strand, the complement: TGM5 is on the minus strand). VCF-style: chr15-43252877-G-A. GRCh37 (hg19) VCF-style: chr15-43545075-G-A.
Other names: c.498C>T, p.Asp166= (NM_004245.4).
Identifiers: ClinVar variation 3047452 (VCV003047452.2), dbSNP rs139142457, ClinGen allele CA7521223.